The following is an entry in ClinVar:

NM_020365.5(EIF2B3):c.97A>G (p.Lys33Glu)

Gene: EIF2B3 (eukaryotic translation initiation factor 2B subunit gamma; minus strand). Cytogenetic location: 1p34.1.
Variant type: single nucleotide variant.
Coding change: c.97A>G on transcript NM_020365.5 (MANE Select); coding-DNA position 97, A replaced by G.
Protein change: p.Lys33Glu; replaces lysine 33 with glutamic acid.
Molecular consequence: missense variant.
Genome position (GRCh38, 1-based): chr1:44,981,072, T>C on the plus strand (A>G on the coding strand, the complement: EIF2B3 is on the minus strand). VCF-style: chr1-44981072-T-C. GRCh37 (hg19) VCF-style: chr1-45446744-T-C.
Other names: c.97A>G, p.Lys33Glu (NM_001166588.3, NM_001261418.2); short protein forms K33E.
Identifiers: ClinVar variation 560922 (VCV000560922.2), dbSNP rs1557716669, ClinGen allele CA340101893.

ClinVar aggregate classification (germline): Uncertain significance (1 of 4 stars; one submission).

Conditions:
Vanishing white matter disease. Also called: CACH syndrome; Childhood ataxia with diffuse central nervous system hypomyelination; Leukoencephalopathy with vanishing white matter; CACH/VWM syndrome; Cree leukoencehalopathy. Identifiers: Orphanet 135, Orphanet 99853, MedGen C1858991, MONDO:0800448.

Submission:

Baylor Genetics
Classification: Uncertain significance for Leukoencephalopathy with vanishing white matter 1. Last evaluated: 2017-09-01. Review status: criteria provided, single submitter. Criteria: ACMG Guidelines, 2015. Collection method: clinical testing. Allele origin: germline. Inheritance: Autosomal recessive inheritance. Affected: yes.

Literature cited by the submitters: PubMed 25326635.